The following is an entry in ClinVar:

NM_015404.4(WHRN):c.*51C>T

Gene: WHRN (whirlin; minus strand). Cytogenetic location: 9q32.
Variant type: single nucleotide variant.
Coding change: c.*51C>T on transcript NM_015404.4 (MANE Select); 51 bases downstream of the stop codon, C replaced by T.
Molecular consequence: 3 prime UTR variant.
Genome position (GRCh38, 1-based): chr9:114,402,703, G>A on the plus strand (C>T on the coding strand, the complement: WHRN is on the minus strand). VCF-style: chr9-114402703-G-A. GRCh37 (hg19) VCF-style: chr9-117164983-G-A.
Other names: c.*51C>T (NM_001083885.3, NM_001173425.2, NM_001346890.1).
Identifiers: ClinVar variation 976567 (VCV000976567.7), dbSNP rs529176890, ClinGen allele CA5205538.

ClinVar aggregate classification (germline): Conflicting classifications of pathogenicity. Review status: criteria provided, conflicting classifications (1 of 4 stars). 3 submissions from 2 submitters: Uncertain significance (1); Likely benign (2). Last evaluated 2020-05-20.

Conditions:
Usher syndrome type 2D. Also called: USHER SYNDROME, TYPE IID. Identifiers: Orphanet 231178, Orphanet 886, MedGen C1568249, MONDO:0012662, OMIM 611383.
Autosomal recessive nonsyndromic hearing loss 31. Also called: WHIRLER, MOUSE, HOMOLOG OF. Identifiers: Orphanet 90636, MedGen C1846839, MONDO:0011767, OMIM 607084.

Allele frequency attached by ClinVar (database versions not stated): gnomAD 0.00001 and 0.00059; TOPMed 0.00010; gnomAD exomes 0.00105 and 0.00222; ExAC 0.00269; 1000 Genomes Project 30x 0.00547; 1000 Genomes Project 0.00599.
gnomAD v4.1: 1,606 of 1,610,010 alleles (0.1%); highest among the groups gnomAD compares: South Asian, 1.7%; 22 homozygotes.

Submissions (3):

GeneDx
Classification: Likely benign. Last evaluated: 2020-05-20. Review status: criteria provided, single submitter. Criteria: GeneDx Variant Classification Process June 2021. Collection method: clinical testing. Allele origin: germline. Affected: yes.

Illumina Laboratory Services, Illumina
Classification: Uncertain significance for Autosomal recessive nonsyndromic hearing loss 31. Last evaluated: 2018-01-13. Review status: criteria provided, single submitter. Criteria: ICSL Variant Classification Criteria 13 December 2019. Collection method: clinical testing. Allele origin: germline.

Illumina Laboratory Services, Illumina
Classification: Likely benign for Usher syndrome type 2D. Last evaluated: 2018-01-13. Review status: criteria provided, single submitter. Criteria: ICSL Variant Classification Criteria 13 December 2019. Collection method: clinical testing. Allele origin: germline.
Comment: This variant was observed in the ICSL laboratory as part of a predisposition screen in an ostensibly healthy population. It had not been previously curated by ICSL or reported in the Human Gene Mutation Database (HGMD: prior to June 1st, 2018), and was therefore a candidate for classification through an automated scoring system. Utilizing variant allele frequency, disease prevalence and penetrance estimates, and inheritance mode, an automated score was calculated to assess if this variant is too frequent to cause the disease. Based on the score and internal cut-off values, a variant classified as likely benign is not then subjected to further curation. The score for this variant resulted in a classification of likely benign for this disease.